The following is an entry in ClinVar:

ClinVar aggregate classification (germline): Uncertain significance (1 of 4 stars; one submission).

gnomAD v4.1: 3 of 1,610,728 alleles (0.00019%); highest among the groups gnomAD compares: Non-Finnish European, 0.00025%; no homozygotes.

Submission:

Mayo Clinic Laboratories, Mayo Clinic
Classification: Uncertain significance. Last evaluated: 2025-10-17. Review status: criteria provided, single submitter. Criteria: ACMG Guidelines, 2015. Collection method: clinical testing. Allele origin: germline. Observed: 1 variant allele.
Comment: BP4_moderate

NM_018699.4(PRDM5):c.57C>G (p.Asp19Glu)

Gene: PRDM5 (PR/SET domain 5; minus strand). Cytogenetic location: 4q27.
Variant type: single nucleotide variant.
Coding change: c.57C>G on transcript NM_018699.4 (MANE Select); coding-DNA position 57, C replaced by G.
Protein change: p.Asp19Glu; replaces aspartic acid 19 with glutamic acid.
Molecular consequence: missense variant.
Genome position (GRCh38, 1-based): chr4:120,922,552, G>C on the plus strand (C>G on the coding strand, the complement: PRDM5 is on the minus strand). VCF-style: chr4-120922552-G-C. GRCh37 (hg19) VCF-style: chr4-121843707-G-C.
Other names: p.Asp19Glu; c.57C>G, p.Asp19Glu (NM_001300823.2, NM_001300824.2, NM_001379104.1 and 1 more transcripts); short protein forms D19E.
Identifiers: ClinVar variation 4540997 (VCV004540997.1).